The following is an entry in ClinVar:

ClinVar aggregate classification (germline): Uncertain significance (1 of 4 stars; one submission).

Conditions:
Nephronophthisis. Also called: Juvenile Nephronophthisis. Identifiers: Orphanet 655, MedGen C0687120, MONDO:0019005, HP:0000090.
Jeune thoracic dystrophy. Also called: Infantile thoracic dystrophy; Thoracic pelvic phalangeal dystrophy; Jeune's syndrome; Chondroectodermal dysplasia-like syndrome; Jeune syndrome; Short-rib thoracic dysplasia. Identifiers: Orphanet 474, MedGen C0265275, MONDO:0018770.

Submission:

Labcorp Genetics (formerly Invitae), Labcorp
Classification: Uncertain significance for Jeune thoracic dystrophy; Nephronophthisis. Last evaluated: 2018-09-11. Review status: criteria provided, single submitter. Criteria: Invitae Variant Classification Sherloc (09022015). Collection method: clinical testing. Allele origin: germline.
Comment: In summary, the available evidence is currently insufficient to determine the role of this variant in disease. Therefore, it has been classified as a Variant of Uncertain Significance. Algorithms developed to predict the effect of missense changes on protein structure and function are either unavailable or do not agree on the potential impact of this missense change (SIFT: "Tolerated"; PolyPhen-2: "Probably Damaging"; Align-GVGD: "Class C0"). This variant has not been reported in the literature in individuals with TTC21B-related disease. This variant is not present in population databases (ExAC no frequency). This sequence change replaces glutamic acid with aspartic acid at codon 1065 of the TTC21B protein (p.Glu1065Asp). The glutamic acid residue is highly conserved and there is a small physicochemical difference between glutamic acid and aspartic acid.

NM_024753.5(TTC21B):c.3195G>T (p.Glu1065Asp)

Gene: TTC21B (tetratricopeptide repeat domain 21B; minus strand). Cytogenetic location: 2q24.3.
Variant type: single nucleotide variant.
Coding change: c.3195G>T on transcript NM_024753.5 (MANE Select); coding-DNA position 3195, G replaced by T.
Protein change: p.Glu1065Asp; replaces glutamic acid 1065 with aspartic acid.
Molecular consequence: missense variant.
Genome position (GRCh38, 1-based): chr2:165,890,547, C>A on the plus strand (G>T on the coding strand, the complement: TTC21B is on the minus strand). VCF-style: chr2-165890547-C-A. GRCh37 (hg19) VCF-style: chr2-166747057-C-A.
Other names: short protein forms E1065D.
Identifiers: ClinVar variation 655102 (VCV000655102.8), dbSNP rs1574070858, ClinGen allele CA349047981.
Genomic context (GRCh38, chr2:165,890,547, plus strand): 5'-TCCATCCAGGTTTTCAAATACTTCACCTCCAACAGTTTCATTATCTGGATTCAAACAGAT[C>A]TCTATCATATTATAAAGGGCATTTTGGCCCCAGTCACGATCTTTCCGAGCTTTATTAAAA-3'
Protein context (NP_079029.3, residues 1055-1075): WGQNALYNMI[Glu1065Asp]ICLNPDNETV